The following is an entry in ClinVar:

NM_001042492.3(NF1):c.1562G>A (p.Ser521Asn)

Gene: NF1 (neurofibromin 1; plus strand). Cytogenetic location: 17q11.2.
Variant type: single nucleotide variant.
Coding change: c.1562G>A on transcript NM_001042492.3 (MANE Select); coding-DNA position 1562, G replaced by A.
Protein change: p.Ser521Asn; replaces serine 521 with asparagine.
Molecular consequence: missense variant.
Genome position (GRCh38, 1-based): chr17:31,219,039, G>A. VCF-style: chr17-31219039-G-A. GRCh37 (hg19) VCF-style: chr17-29546057-G-A.
Other names: c.1562G>A, p.Ser521Asn (NM_000267.4, NM_001128147.3); short protein forms S521N.
Identifiers: ClinVar variation 4810035 (VCV004810035.1).
Genomic context (GRCh38, chr17:31,219,039, plus strand): 5'-TTGAAGTTTCCTTTTTTTCCTTGCAGAATCCAAGAAAACAGGGGCCCGAAACCCAAGGCA[G>A]TACAGCAGAATTAATTACAGGGCTCGTCCAACTGGTCCCTCAGTCACACATGCCAGAGAT-3'
Protein context (NP_001035957.1, residues 511-531): PRKQGPETQG[Ser521Asn]TAELITGLVQ

ClinVar aggregate classification (germline): Uncertain significance (1 of 4 stars; one submission).

Conditions:
Neurofibromatosis, type 1 (NF1). Also called: Peripheral type neurofibromatosis; Neurofibromatosis, type I; NEUROFIBROMATOSIS, TYPE I, SOMATIC; VON RECKLINGHAUSEN DISEASE. Identifiers: Orphanet 636, MedGen C0027831, MONDO:0018975, OMIM 162200. Disease mechanism: loss of function.

Submission:

Labcorp Genetics (formerly Invitae), Labcorp
Classification: Uncertain significance for Neurofibromatosis, type 1. Last evaluated: 2025-07-20. Review status: criteria provided, single submitter. Criteria: Invitae Variant Classification Sherloc (09022015). Collection method: clinical testing. Allele origin: germline.
Comment: This sequence change replaces serine, which is neutral and polar, with asparagine, which is neutral and polar, at codon 521 of the NF1 protein (p.Ser521Asn). This variant is not present in population databases (gnomAD no frequency). This variant has not been reported in the literature in individuals affected with NF1-related conditions. Invitae Evidence Modeling of protein sequence and biophysical properties (such as structural, functional, and spatial information, amino acid conservation, physicochemical variation, residue mobility, and thermodynamic stability) has been performed for this missense variant. However, the output from this modeling did not meet the statistical confidence thresholds required to predict the impact of this variant on NF1 protein function. In summary, the available evidence is currently insufficient to determine the role of this variant in disease. Therefore, it has been classified as a Variant of Uncertain Significance.